The following is an entry in ClinVar:

NM_000431.4(MVK):c.886-2dup

Gene: MVK (mevalonate kinase; plus strand). Cytogenetic location: 12q24.11.
Variant type: Duplication.
Coding change: c.886-2dup on transcript NM_000431.4 (MANE Select); the canonical splice acceptor site of the intron before coding-DNA position 886, one base duplicated (A; older notation c.886-2dupA).
Molecular consequence: splice acceptor variant.
Genome position (GRCh38, 1-based): chr12:109,595,026, A duplicated. VCF-style (leftmost placement, unchanged base first): chr12-109595025-T-TA. GRCh37 (hg19) VCF-style: chr12-110032830-T-TA.
Other names: p.?; c.886-2dup (NM_001414511.1, NM_001414513.1, NM_001114185.3); c.961-2dup (NM_001414512.1); c.730-2dup (NM_001414514.1, NM_001301182.2); c.304-2dup (NM_001414515.1).
Identifiers: ClinVar variation 1493872 (VCV001493872.7), dbSNP rs1332047942, ClinGen allele CA607289391.
Genomic context (GRCh38, chr12:109,595,025, plus strand): 5'-GGTGGGCATAGGACCTTGGCCTCAGGCAGGCCAAGTGGGAACAGATGGAACCTTCTCCCC[T>TA]AGGAGCTCATTGACATGAACCAGCACCATCTGAATGCCCTCGGCGTGGGCCACGCCTCTC-3'

ClinVar aggregate classification (germline): Uncertain significance. Review status: criteria provided, multiple submitters, no conflicts (2 of 4 stars). 2 submissions from 2 submitters: Uncertain significance (2). Last evaluated 2025-04-21.

Conditions:
Mevalonic aciduria (MEVA). Identifiers: Orphanet 29, MedGen C1959626, MONDO:0012481, OMIM 610377.
Porokeratosis 3, disseminated superficial actinic type (POROK3). Also called: POROKERATOSIS, DISSEMINATED SUPERFICIAL ACTINIC, 1; POROKERATOSIS 3, MULTIPLE TYPES; POROKERATOSIS 3, MIBELLI TYPE. Identifiers: MedGen C1867981, MONDO:0008293, OMIM 175900.
Hyperimmunoglobulin D with periodic fever (HIDS). Also called: Hyperimmunoglobulinemia D; Hyperimmunoglobulinemia D with periodic fever; HYPERIMMUNOGLOBULINEMIA D AND PERIODIC FEVER SYNDROME. Identifiers: Orphanet 343, MedGen C0398691, MONDO:0009849, OMIM 260920.

Allele frequency attached by ClinVar (database versions not stated): gnomAD 0.00001; gnomAD exomes 0.00001; TOPMed 0.00001.

Submissions (2):

Mayo Clinic Laboratories, Mayo Clinic
Classification: Uncertain significance. Last evaluated: 2025-04-21. Review status: criteria provided, single submitter. Criteria: ACMG Guidelines, 2015. Collection method: clinical testing. Allele origin: germline. Observed: 1 variant allele.
Comment: PM2_supporting

Labcorp Genetics (formerly Invitae), Labcorp
Classification: Uncertain significance for Mevalonic aciduria; Hyperimmunoglobulin D with periodic fever; Porokeratosis 3, disseminated superficial actinic type. Last evaluated: 2023-11-22. Review status: criteria provided, single submitter. Criteria: Invitae Variant Classification Sherloc (09022015). Collection method: clinical testing. Allele origin: germline.
Comment: This sequence change falls in intron 9 of the MVK gene. It does not directly change the encoded amino acid sequence of the MVK protein. It affects a nucleotide within the consensus splice site. This variant is present in population databases (no rsID available, gnomAD 0.009%). This variant has not been reported in the literature in individuals affected with MVK-related conditions. ClinVar contains an entry for this variant (Variation ID: 1493872). Variants that disrupt the consensus splice site are a relatively common cause of aberrant splicing (PMID: 17576681, 9536098). Algorithms developed to predict the effect of sequence changes on RNA splicing suggest that this variant may disrupt the consensus splice site. In summary, the available evidence is currently insufficient to determine the role of this variant in disease. Therefore, it has been classified as a Variant of Uncertain Significance.

Literature cited by the submitters: PubMed 17576681 (cited by Labcorp Genetics (formerly Invitae), Labcorp); PubMed 9536098 (cited by Labcorp Genetics (formerly Invitae), Labcorp).